The following is an entry in ClinVar:

ClinVar aggregate classification (germline): Benign/Likely benign. Review status: criteria provided, multiple submitters, no conflicts (2 of 4 stars). 3 submissions from 3 submitters: Benign (1); Likely benign (1). 1 of the submissions does not count toward it. Last evaluated 2026-05-01.

Conditions:
BUB1-related disorder. Also called: BUB1-related condition.

Allele frequency attached by ClinVar (database versions not stated): 1000 Genomes Project 0.00120; 1000 Genomes Project 30x 0.00141; TOPMed 0.00162; gnomAD 0.00174 and 0.00175; gnomAD exomes 0.00191 and 0.00322; ExAC 0.00192; ESP Exome Variant Server 0.00246.
gnomAD v4.1: 4,945 of 1,613,912 alleles (0.31%); highest among the groups gnomAD compares: Non-Finnish European, 0.37%; 10 homozygotes.

Submissions (3):

CeGaT Center for Human Genetics Tuebingen
Classification: Benign. Last evaluated: 2026-05-01. Review status: criteria provided, single submitter. Criteria: CeGaT Center For Human Genetics Tuebingen Variant Classification Criteria Version 2. Collection method: clinical testing. Allele origin: germline. Affected: yes. Observed: 9 variant alleles.
Comment: BUB1: BP4, BS1, BS2

Labcorp Genetics (formerly Invitae), Labcorp
Classification: Likely benign. Last evaluated: 2026-01-28. Review status: criteria provided, single submitter. Criteria: Invitae Variant Classification Sherloc (09022015). Collection method: clinical testing. Allele origin: germline.

PreventionGenetics, part of Exact Sciences
Classification: Likely benign for BUB1-related condition. Last evaluated: 2019-11-13. Review status: no assertion criteria provided. Collection method: clinical testing. Allele origin: germline. Not counted in ClinVar's aggregate classification.
Comment: This variant is classified as likely benign based on ACMG/AMP sequence variant interpretation guidelines (Richards et al. 2015 PMID: 25741868, with internal and published modifications).

NM_004336.5(BUB1):c.677C>T (p.Ala226Val)

Gene: BUB1 (BUB1 mitotic checkpoint serine/threonine kinase; minus strand). Cytogenetic location: 2q13.
Variant type: single nucleotide variant.
Coding change: c.677C>T on transcript NM_004336.5 (MANE Select); coding-DNA position 677, C replaced by T.
Protein change: p.Ala226Val; replaces alanine 226 with valine.
Molecular consequence: missense variant.
Genome position (GRCh38, 1-based): chr2:110,667,649, G>A on the plus strand (C>T on the coding strand, the complement: BUB1 is on the minus strand). VCF-style: chr2-110667649-G-A. GRCh37 (hg19) VCF-style: chr2-111425226-G-A.
Other names: c.617C>T, p.Ala206Val (NM_001278616.2); c.677C>T, p.Ala226Val (NM_001278617.2); short protein forms A226V, A206V.
Identifiers: ClinVar variation 710415 (VCV000710415.32), dbSNP rs61730706, ClinGen allele CA1828273.